The following is an entry in ClinVar:

ClinVar aggregate classification (germline): Uncertain significance. Review status: criteria provided, multiple submitters, no conflicts (2 of 4 stars). 2 submissions from 2 submitters: Uncertain significance (2). Last evaluated 2021-02-15.

Allele frequency attached by ClinVar (database versions not stated): gnomAD 0.00001 and 0.00002; TOPMed 0.00004; gnomAD exomes 0.00005.
gnomAD v4.1: 56 of 1,114,652 alleles (0.005%); highest among the groups gnomAD compares: Non-Finnish European, 0.0065%; no homozygotes.

Submissions (2):

Women's Health and Genetics/Laboratory Corporation of America, LabCorp
Classification: Uncertain significance. Last evaluated: 2021-02-15. Review status: criteria provided, single submitter. Criteria: LabCorp Variant Classification Summary - May 2015. Collection method: clinical testing. Allele origin: germline.
Comment: Variant summary: HBB c.*97G>C is located in the untranslated mRNA region downstream of the termination codon. The variant was absent in 31408 control chromosomes. The available data on variant occurrences in the general population are insufficient to allow any conclusion about variant significance. To our knowledge, no occurrence of c.*97G>C in individuals affected with Hemoglobinopathy and no experimental evidence demonstrating its impact on protein function have been reported. One other clinical diagnostic laboratory has submitted clinical-significance assessments for this variant to ClinVar after 2014 without evidence for independent evaluation and cited the variant as uncertain significance. Based on the evidence outlined above, the variant was classified as uncertain significance.

ARUP Laboratories, Molecular Genetics and Genomics, ARUP Laboratories
Classification: Uncertain significance. Last evaluated: 2019-03-26. Review status: criteria provided, single submitter. Criteria: ARUP Molecular Germline Variant Investigation Process. Collection method: clinical testing. Allele origin: germline.
Comment: The HBB c.*97G>C variant (rs770911771), to our knowledge, is not reported in the medical literature or gene-specific databases. This variant is also absent from general population databases (Exome Variant Server, Genome Aggregation Database), indicating it is not a common polymorphism. This variant occurs in the 3' untranslated region at a nucleotide that is weakly conserved. However, due to limited information, the clinical significance of the c.*97G>C variant is uncertain at this time.

NM_000518.5(HBB):c.*97G>C

Genes: HBB (hemoglobin subunit beta; minus strand), LOC107133510 (origin of replication at HBB; plus strand), LOC110006319 (beta-globin gene 3' regulatory region; plus strand). Cytogenetic location: 11p15.4.
Variant type: single nucleotide variant.
Coding change: c.*97G>C on transcript NM_000518.5 (MANE Select); 97 bases downstream of the stop codon, G replaced by C.
Molecular consequence: 3 prime UTR variant.
Genome position (GRCh38, 1-based): chr11:5,225,501, C>G on the plus strand (G>C on the coding strand, the complement: HBB is on the minus strand). VCF-style: chr11-5225501-C-G. GRCh37 (hg19) VCF-style: chr11-5246731-C-G.
Identifiers: ClinVar variation 811372 (VCV000811372.9), dbSNP rs770911771, ClinGen allele CA217112100.